The following is an entry in ClinVar:

NM_001164508.2(NEB):c.2388_2389del (p.His796fs)

Gene: NEB (nebulin; minus strand). Cytogenetic location: 2q23.3.
Variant type: Microsatellite.
Coding change: c.2388_2389del on transcript NM_001164508.2 (MANE Select); coding-DNA positions 2388 to 2389, 2 bases deleted (CA; older notation c.2388_2389delCA).
Protein change: p.His796fs; shifts the reading frame from histidine 796.
Molecular consequence: frameshift variant.
Genome position (GRCh38, 1-based): chr2:151,688,318-151,688,319, TG deleted on the plus strand (CA on the coding strand, the reverse complement: NEB is on the minus strand); deleting any 2 consecutive bases within chr2:151,688,318-151,688,322 gives the same sequence; the c. name uses the placement nearest the transcript's 3' end. VCF-style (leftmost placement, unchanged base first): chr2-151688317-CTG-C. GRCh37 (hg19) VCF-style: chr2-152544831-CTG-C.
Other names: c.2388_2389del, p.His796fs (NM_001164507.2, NM_001271208.2, NM_004543.5); short protein forms H796fs.
Identifiers: ClinVar variation 1726976 (VCV001726976.2), dbSNP rs2552266594, ClinGen allele CA913089174.

ClinVar aggregate classification (germline): Likely pathogenic (1 of 4 stars; one submission).

Conditions:
Nemaline myopathy 2 (NEM2). Also called: Nemaline myopathy 2, autosomal recessive. Identifiers: MedGen C1850569, MONDO:0009725, OMIM 256030.

Submission:

Myriad Genetics, Inc.
Classification: Likely pathogenic for Nemaline myopathy 2. Last evaluated: 2022-01-02. Review status: criteria provided, single submitter. Criteria: Myriad Women's Health Autosomal Recessive and X-Linked Classification Criteria (2021). Collection method: clinical testing. Allele origin: unknown.
Comment: NM_001271208.1(NEB):c.2388_2389delCA(H796Qfs*6) is expected to be pathogenic in the context of NEB-related nemaline myopathy. This variant is predicted to lead to an abnormal or absent protein product due to the creation of a premature termination codon in NEB, a gene where loss-of-function variants are known to be pathogenic. Please note: this variant was assessed in the context of healthy population screening.